The following is an entry in ClinVar:

NM_019096.5(GTPBP2):c.778G>A (p.Asp260Asn)

Gene: GTPBP2 (GTP binding protein 2; minus strand). Cytogenetic location: 6p21.1.
Variant type: single nucleotide variant.
Coding change: c.778G>A on transcript NM_019096.5 (MANE Select); coding-DNA position 778, G replaced by A.
Protein change: p.Asp260Asn; replaces aspartic acid 260 with asparagine.
Molecular consequence: missense variant.
Genome position (GRCh38, 1-based): chr6:43,624,990, C>T on the plus strand (G>A on the coding strand, the complement: GTPBP2 is on the minus strand). VCF-style: chr6-43624990-C-T. GRCh37 (hg19) VCF-style: chr6-43592727-C-T.
Other names: c.514G>A, p.Asp172Asn (NM_001286216.2); c.778G>A (NM_019096.4); short protein forms D172N, D260N.
Identifiers: ClinVar variation 4849861 (VCV004849861.1).
Genomic context (GRCh38, chr6:43,624,990, plus strand): 5'-GGCAGTATGATGTGAGGCCAAAGATGGTGGTGTGTAGGTACTTATGGTGGCCTGCCAGGT[C>T]GATGAAGGTGATCATCTTGGAGCTGCTCTCACAGATCTCTTCTGCTGTCCGTGAGTCGCT-3'
Protein context (NP_061969.3, residues 250-270): ESSSKMITFI[Asp260Asn]LAGHHKYLHT

ClinVar aggregate classification (germline): Likely pathogenic (1 of 4 stars; one submission).

Conditions:
Jaberi-Elahi syndrome. Also called: NEURODEVELOPMENTAL DISORDER WITH CHARACTERISTIC FACIAL AND ECTODERMAL FEATURES AND TETRAPARESIS 2. Identifiers: MedGen C4693848, MONDO:0060711, OMIM 617988.

gnomAD v4.1: 1 of 1,613,868 alleles (0.000062%); highest among the groups gnomAD compares: Non-Finnish European, 0.000085%; no homozygotes.

Submission:

Egypt Genome Project
Classification: Likely pathogenic for Jaberi-Elahi syndrome. Last evaluated: 2026-02-01. Review status: criteria provided, single submitter. Criteria: ACMG Guidelines, 2015. Collection method: research. Allele origin: germline. Affected: yes.
Comment: The NM_019096.4 c.778G>A is classified as likely pathogenic based on the ACMG/AMP criteria (PM2, PM3-supporting, PP2, PP4, PP3)